The following is an entry in ClinVar:

ClinVar aggregate classification (germline): Uncertain significance (1 of 4 stars; one submission).

Conditions:
Cardiovascular phenotype. Identifiers: MedGen CN230736.
Hereditary cancer-predisposing syndrome. Also called: Tumor predisposition; Hereditary neoplastic syndrome; Neoplastic Syndromes, Hereditary; Hereditary Cancer Syndrome. Identifiers: Orphanet 140162, MedGen C0027672, MeSH D009386, MONDO:0015356.

Submission:

Ambry Genetics
Classification: Uncertain significance for Cardiovascular phenotype; Hereditary cancer-predisposing syndrome. Last evaluated: 2025-04-10. Review status: criteria provided, single submitter. Criteria: Ambry Variant Classification Scheme 2023. Collection method: clinical testing. Allele origin: germline.
Comment: The p.K1517T variant (also known as c.4550A>C), located in coding exon 34 of the NF1 gene, results from an A to C substitution at nucleotide position 4550. The lysine at codon 1517 is replaced by threonine, an amino acid with similar properties. This amino acid position is conserved. In addition, this alteration is predicted to be deleterious by in silico analysis. Based on the available evidence, the clinical significance of this variant remains unclear.

NM_001042492.3(NF1):c.4613A>C (p.Lys1538Thr)

Gene: NF1 (neurofibromin 1; plus strand). Cytogenetic location: 17q11.2.
Variant type: single nucleotide variant.
Coding change: c.4613A>C on transcript NM_001042492.3 (MANE Select); coding-DNA position 4613, A replaced by C.
Protein change: p.Lys1538Thr; replaces lysine 1538 with threonine.
Molecular consequence: missense variant.
Genome position (GRCh38, 1-based): chr17:31,261,746, A>C. VCF-style: chr17-31261746-A-C. GRCh37 (hg19) VCF-style: chr17-29588764-A-C.
Other names: c.4550A>C, p.Lys1517Thr (NM_000267.4); short protein forms K1538T, K1517T.
Identifiers: ClinVar variation 4020376 (VCV004020376.1).